The following is an entry in ClinVar:

ClinVar aggregate classification (germline): Pathogenic. Review status: criteria provided, multiple submitters, no conflicts (2 of 4 stars). 3 submissions from 3 submitters: Pathogenic (2). 1 of the submissions does not count toward it. Last evaluated 2024-07-18.

Conditions:
Hereditary cancer-predisposing syndrome. Also called: Hereditary Cancer Syndrome; Neoplastic Syndromes, Hereditary; Tumor predisposition; Hereditary neoplastic syndrome. Identifiers: Orphanet 140162, MedGen C0027672, MeSH D009386, MONDO:0015356.
Cardiovascular phenotype. Identifiers: MedGen CN230736.
Neurofibroma. Identifiers: Orphanet 252183, MedGen C0027830, MeSH D009455, MONDO:0016755, HP:0001067.
Neurofibromatosis, type 1 (NF1). Also called: NEUROFIBROMATOSIS, TYPE I, SOMATIC; VON RECKLINGHAUSEN DISEASE; Peripheral type neurofibromatosis; Neurofibromatosis, type I. Identifiers: Orphanet 636, MedGen C0027831, MONDO:0018975, OMIM 162200. Disease mechanism: loss of function.

Submissions (3):

Ambry Genetics
Classification: Pathogenic for Cardiovascular phenotype; Hereditary cancer-predisposing syndrome. Last evaluated: 2024-07-18. Review status: criteria provided, single submitter. Criteria: Ambry Variant Classification Scheme 2023. Collection method: clinical testing. Allele origin: germline.
Comment: The c.2388delA pathogenic mutation, located in coding exon 20 of the NF1 gene, results from a deletion of one nucleotide at nucleotide position 2388, causing a translational frameshift with a predicted alternate stop codon (p.A797Pfs*24). This variant, described as c.2385delA, was reported in an individual with a personal history of orbital/periorbital plexiform neurofibroma (Chai P et al. BMC Med Genet, 2019 Sep;20:158). This variant has been observed in at least one individual with a personal and/or family history that is consistent with neurofibromatosis type 1 (Ambry internal data). This variant is considered to be rare based on population cohorts in the Genome Aggregation Database (gnomAD). In addition to the clinical data presented in the literature, this alteration is expected to result in loss of function by premature protein truncation or nonsense-mediated mRNA decay. As such, this alteration is interpreted as a disease-causing mutation.

Labcorp Genetics (formerly Invitae), Labcorp
Classification: Pathogenic for Neurofibromatosis, type 1. Last evaluated: 2024-06-12. Review status: criteria provided, single submitter. Criteria: Invitae Variant Classification Sherloc (09022015). Collection method: clinical testing. Allele origin: germline.
Comment: This sequence change creates a premature translational stop signal (p.Ala797Profs*24) in the NF1 gene. It is expected to result in an absent or disrupted protein product. Loss-of-function variants in NF1 are known to be pathogenic (PMID: 10712197, 23913538). This variant is not present in population databases (gnomAD no frequency). This variant has not been reported in the literature in individuals affected with NF1-related conditions. ClinVar contains an entry for this variant (Variation ID: 635819). For these reasons, this variant has been classified as Pathogenic.

Department of Ophthalmology, Shanghai Ninth people hospital, Shanghai Ninth People's Hospital, Shanghai Jiao Tong University
Classification: Pathogenic for Neurofibroma. Last evaluated: 2019-06-29. Review status: no assertion criteria provided. Collection method: clinical testing. Allele origin: germline. Affected: yes. Not counted in ClinVar's aggregate classification.

Literature cited by the submitters: PubMed 31533651 (cited by Ambry Genetics); PubMed 10712197 (cited by Labcorp Genetics (formerly Invitae), Labcorp); PubMed 23913538 (cited by Labcorp Genetics (formerly Invitae), Labcorp).

NM_001042492.3(NF1):c.2388del (p.Ala797fs)

Gene: NF1 (neurofibromin 1; plus strand). Cytogenetic location: 17q11.2.
Variant type: Deletion.
Coding change: c.2388del on transcript NM_001042492.3 (MANE Select); coding-DNA position 2388, one base deleted (A; older notation c.2388delA).
Protein change: p.Ala797fs; shifts the reading frame from alanine 797.
Molecular consequence: frameshift variant.
Genome position (GRCh38, 1-based): chr17:31,227,585, A deleted; the last of 4 consecutive A bases (chr17:31,227,582-31,227,585); deleting any one gives the same sequence. VCF-style (leftmost placement, unchanged base first): chr17-31227581-CA-C. GRCh37 (hg19) VCF-style: chr17-29554599-CA-C.
Other names: c.2385delA (NM_000267.3); c.2388delA (NM_000267.3); c.2388delA, p.Ala797Profs (NM_000267.4); short protein forms A797fs.
Identifiers: ClinVar variation 635819 (VCV000635819.7), dbSNP rs1555614011, ClinGen allele CA915949773.